The following is an entry in ClinVar:

NM_000553.6(WRN):c.3986T>C (p.Met1329Thr)

Gene: WRN (WRN RecQ like helicase; plus strand). Cytogenetic location: 8p12.
Variant type: single nucleotide variant.
Coding change: c.3986T>C on transcript NM_000553.6 (MANE Select); coding-DNA position 3986, T replaced by C.
Protein change: p.Met1329Thr; replaces methionine 1329 with threonine.
Molecular consequence: missense variant.
Genome position (GRCh38, 1-based): chr8:31,167,025, T>C. VCF-style: chr8-31167025-T-C. GRCh37 (hg19) VCF-style: chr8-31024541-T-C.
Other names: short protein forms M1329T.
Identifiers: ClinVar variation 528161 (VCV000528161.7), dbSNP rs755711042, ClinGen allele CA4705236.

ClinVar aggregate classification (germline): Uncertain significance. Review status: criteria provided, multiple submitters, no conflicts (2 of 4 stars). 2 submissions from 2 submitters: Uncertain significance (2). Last evaluated 2025-07-02.

Conditions:
Werner syndrome (WRN). Identifiers: Orphanet 902, MedGen C0043119, MONDO:0010196, OMIM 277700.
Inborn genetic diseases. Identifiers: MedGen C0950123, MeSH D030342.

Allele frequency attached by ClinVar (database versions not stated): gnomAD 0.00001; gnomAD exomes 0.00001; TOPMed 0.00001; ExAC 0.00002.

Submissions (2):

Ambry Genetics
Classification: Uncertain significance for Inborn genetic diseases. Last evaluated: 2025-07-02. Review status: criteria provided, single submitter. Criteria: Ambry Variant Classification Scheme 2023. Collection method: clinical testing. Allele origin: germline.

Labcorp Genetics (formerly Invitae), Labcorp
Classification: Uncertain significance for Werner syndrome. Last evaluated: 2025-04-07. Review status: criteria provided, single submitter. Criteria: Invitae Variant Classification Sherloc (09022015). Collection method: clinical testing. Allele origin: germline.
Comment: This sequence change replaces methionine, which is neutral and non-polar, with threonine, which is neutral and polar, at codon 1329 of the WRN protein (p.Met1329Thr). This variant is present in population databases (rs755711042, gnomAD 0.007%). This variant has not been reported in the literature in individuals affected with WRN-related conditions. ClinVar contains an entry for this variant (Variation ID: 528161). An algorithm developed to predict the effect of missense changes on protein structure and function outputs the following: PolyPhen-2: "Benign". The threonine amino acid residue is found in multiple mammalian species, which suggests that this missense change does not adversely affect protein function. In summary, the available evidence is currently insufficient to determine the role of this variant in disease. Therefore, it has been classified as a Variant of Uncertain Significance.